The following is an entry in ClinVar:

ClinVar aggregate classification (germline): Uncertain significance. Review status: criteria provided, single submitter (1 of 4 stars). 2 submissions from 2 submitters: Uncertain significance (1). 1 of the submissions does not count toward it. Last evaluated 2026-01-23.

Conditions:
Intellectual developmental disorder, X-linked 30. Also called: MENTAL RETARDATION, X-LINKED 47; Intellectual disability, X-linked 30. Identifiers: Orphanet 777, MedGen C0796237, MONDO:0010361, OMIM 300558.
PAK3-related disorder. Also called: PAK3-related condition.

Submissions (2):

3billion
Classification: Uncertain significance for Intellectual developmental disorder, X-linked 30. Last evaluated: 2026-01-23. Review status: criteria provided, single submitter. Criteria: ACMG Guidelines, 2015. Collection method: clinical testing. Allele origin: germline. Affected: yes.
Comment: The variant is not observed in the gnomAD v4.1.0 dataset. Predicted Consequence/Location: Missense variant In silico tool predictions suggest damaging effect of the variant on gene or gene product [3Cnet: 0.99 (> 0.75, sensitivity 0.96 and precision 0.92)]. The variant has been reported as of uncertain significance (ClinVar ID: VCV003031936). Therefore, this variant is classified as VUS according to the recommendation of ACMG/AMP guideline.

PreventionGenetics, part of Exact Sciences
Classification: Uncertain significance for PAK3-related condition. Last evaluated: 2024-09-23. Review status: no assertion criteria provided. Collection method: clinical testing. Allele origin: germline. Not counted in ClinVar's aggregate classification.
Comment: The PAK3 c.1387C>T variant is predicted to result in the amino acid substitution p.Leu463Phe. To our knowledge, this variant has not been reported in the literature or in a large population database, indicating this variant is rare. Although we suspect this variant could be pathogenic, at this time, the clinical significance of this variant is uncertain due to the absence of conclusive functional and genetic evidence.

NM_002578.5(PAK3):c.1387C>T (p.Leu463Phe)

Gene: PAK3 (p21 (RAC1) activated kinase 3; plus strand). Cytogenetic location: Xq23.
Variant type: single nucleotide variant.
Coding change: c.1387C>T on transcript NM_002578.5 (MANE Select); coding-DNA position 1387, C replaced by T.
Protein change: p.Leu463Phe; replaces leucine 463 with phenylalanine.
Molecular consequence: missense variant. On other transcripts: non-coding transcript variant (2).
Genome position (GRCh38, 1-based): chrX:111,196,620, C>T. VCF-style: chrX-111196620-C-T. GRCh37 (hg19) VCF-style: chrX-110439848-C-T.
Other names: c.1387C>T, p.Leu463Phe (NM_001128166.3, NM_001128167.3, NM_001324325.2 and 5 more transcripts); c.1495C>T, p.Leu499Phe (NM_001128168.3); c.1450C>T, p.Leu484Phe (NM_001128172.2); c.1432C>T, p.Leu478Phe (NM_001128173.3, NM_001324327.2, NM_001324328.2 and 2 more transcripts); short protein forms L463F, L478F, L484F, L499F.
Identifiers: ClinVar variation 3031936 (VCV003031936.3), dbSNP rs2524225107, ClinGen allele CA414239990.